The following is an entry in ClinVar:

ClinVar aggregate classification (germline): Uncertain significance. Review status: criteria provided, multiple submitters, no conflicts (2 of 4 stars). 2 submissions from 2 submitters: Uncertain significance (2). Last evaluated 2025-04-25.

Allele frequency attached by ClinVar (database versions not stated): ExAC 0.00001; gnomAD 0.00001; TOPMed 0.00001; gnomAD exomes 0.00002.
gnomAD v4.1: 35 of 1,613,852 alleles (0.0022%); highest among the groups gnomAD compares: Non-Finnish European, 0.0026%; no homozygotes.

Submissions (2):

Labcorp Genetics (formerly Invitae), Labcorp
Classification: Uncertain significance. Last evaluated: 2025-04-25. Review status: criteria provided, single submitter. Criteria: Invitae Variant Classification Sherloc (09022015). Collection method: clinical testing. Allele origin: germline.
Comment: This sequence change replaces leucine, which is neutral and non-polar, with arginine, which is basic and polar, at codon 254 of the TERF2IP protein (p.Leu254Arg). This variant is present in population databases (rs766706163, gnomAD 0.0009%). This variant has not been reported in the literature in individuals affected with TERF2IP-related conditions. ClinVar contains an entry for this variant (Variation ID: 2510806). An algorithm developed to predict the effect of missense changes on protein structure and function (PolyPhen-2) suggests that this variant is likely to be disruptive. In summary, the available evidence is currently insufficient to determine the role of this variant in disease. Therefore, it has been classified as a Variant of Uncertain Significance.

Ambry Genetics
Classification: Uncertain significance. Last evaluated: 2023-05-08. Review status: criteria provided, single submitter. Criteria: Ambry Variant Classification Scheme 2023. Collection method: clinical testing. Allele origin: germline.

NM_018975.4(TERF2IP):c.761T>G (p.Leu254Arg)

Gene: TERF2IP (TERF2 interacting protein; plus strand). Cytogenetic location: 16q23.1.
Variant type: single nucleotide variant.
Coding change: c.761T>G on transcript NM_018975.4 (MANE Select); coding-DNA position 761, T replaced by G.
Protein change: p.Leu254Arg; replaces leucine 254 with arginine.
Molecular consequence: missense variant. On other transcripts: non-coding transcript variant (1).
Genome position (GRCh38, 1-based): chr16:75,654,363, T>G. VCF-style: chr16-75654363-T-G. GRCh37 (hg19) VCF-style: chr16-75688261-T-G.
Other names: short protein forms L254R.
Identifiers: ClinVar variation 2510806 (VCV002510806.3), dbSNP rs766706163, ClinGen allele CA8178072.